The following is an entry in ClinVar:

NM_032776.3(JMJD1C):c.80G>T (p.Arg27Leu)

Genes: JMJD1C-AS1 (JMJD1C antisense RNA 1; plus strand), JMJD1C (jumonji domain containing 1C; minus strand). Cytogenetic location: 10q21.3.
Variant type: single nucleotide variant.
Coding change: c.80G>T on transcript NM_032776.3 (MANE Select); coding-DNA position 80, G replaced by T.
Protein change: p.Arg27Leu; replaces arginine 27 with leucine.
Molecular consequence: missense variant. On other transcripts: non-coding transcript variant (1), intron variant (2).
Genome position (GRCh38, 1-based): chr10:63,465,583, C>A on the plus strand (G>T on the coding strand, the complement: JMJD1C is on the minus strand). VCF-style: chr10-63465583-C-A. GRCh37 (hg19) VCF-style: chr10-65225343-C-A.
Other names: c.80G>T, p.Arg27Leu (NM_001322252.2); c.-384+56155G>T (NM_001322258.2); c.-379+56155G>T (NM_001318154.2); short protein forms R27L.
Identifiers: ClinVar variation 1969960 (VCV001969960.5), dbSNP rs957068639, ClinGen allele CA377088317.

ClinVar aggregate classification (germline): Uncertain significance (1 of 4 stars; one submission).

Conditions:
Early Myoclonic Encephalopathy. Identifiers: MedGen C0270855.

Submission:

Labcorp Genetics (formerly Invitae), Labcorp
Classification: Uncertain significance for Early Myoclonic Encephalopathy. Last evaluated: 2022-04-07. Review status: criteria provided, single submitter. Criteria: Invitae Variant Classification Sherloc (09022015). Collection method: clinical testing. Allele origin: germline.
Comment: This sequence change replaces arginine, which is basic and polar, with leucine, which is neutral and non-polar, at codon 27 of the JMJD1C protein (p.Arg27Leu). This variant is not present in population databases (gnomAD no frequency). This variant has not been reported in the literature in individuals affected with JMJD1C-related conditions. Algorithms developed to predict the effect of missense changes on protein structure and function are either unavailable or do not agree on the potential impact of this missense change (SIFT: "Deleterious"; PolyPhen-2: "Benign"; Align-GVGD: "Class C0"). In summary, the available evidence is currently insufficient to determine the role of this variant in disease. Therefore, it has been classified as a Variant of Uncertain Significance.